The following is an entry in ClinVar:

ClinVar aggregate classification (germline): Pathogenic (1 of 4 stars; one submission).

Conditions:
Optic atrophy 9 (OPA9). Identifiers: MedGen C4225384, MONDO:0014571, OMIM 616289.

Submission:

Centre for Mendelian Genomics, University Medical Centre Ljubljana
Classification: Pathogenic for Optic atrophy 9. Last evaluated: 2018-12-17. Review status: criteria provided, single submitter. Criteria: ACMG Guidelines, 2015. Collection method: clinical testing. Allele origin: unknown. Affected: yes.
Comment: This variant was classified as: Pathogenic. The following ACMG criteria were applied in classifying this variant: PVS1,PM2,PP3.

NM_001098.3(ACO2):c.2253dup (p.Ile752fs)

Genes: ACO2 (aconitase 2; plus strand), POLR3H (RNA polymerase III subunit H; minus strand). Cytogenetic location: 22q13.2.
Variant type: Duplication.
Coding change: c.2253dup on transcript NM_001098.3 (MANE Select); coding-DNA position 2253, one base duplicated (C; older notation c.2253dupC).
Protein change: p.Ile752fs; shifts the reading frame from isoleucine 752.
Molecular consequence: frameshift variant. On other transcripts: 3 prime UTR variant (5).
Genome position (GRCh38, 1-based): chr22:41,528,523, C duplicated; the last of 2 consecutive C bases (chr22:41,528,522-41,528,523); duplicating either gives the same sequence. VCF-style (leftmost placement, unchanged base first): chr22-41528521-A-AC. GRCh37 (hg19) VCF-style: chr22-41924525-A-AC.
Other names: c.*761dup (NM_001018050.4, NM_001018052.4, NM_001282884.2 and 2 more transcripts); short protein forms I752fs.
Identifiers: ClinVar variation 931020 (VCV000931020.3), dbSNP rs2066653512, ClinGen allele CA1139667131.